The following is an entry in ClinVar:

ClinVar aggregate classification (germline): Uncertain significance (1 of 4 stars; one submission).

Allele frequency attached by ClinVar (database versions not stated): gnomAD exomes below 0.00001.
gnomAD v4.1: 2 of 1,432,580 alleles (0.00014%); highest among the groups gnomAD compares: Non-Finnish European, 0.0002%; no homozygotes.

Submission:

GeneDx
Classification: Uncertain significance. Last evaluated: 2021-01-20. Review status: criteria provided, single submitter. Criteria: GeneDx Variant Classification Process June 2021. Collection method: clinical testing. Allele origin: germline. Affected: yes.
Comment: Not observed in large population cohorts (gnomAD); In-silico analysis, which includes splice predictors and evolutionary conservation, is inconclusive as to whether the variant alters gene splicing. In the absence of RNA/functional studies, the actual effect of this sequence change is unknown.; Has not been previously published as pathogenic or benign to our knowledge

NM_007217.4(PDCD10):c.268+3A>G

Gene: PDCD10 (programmed cell death 10; minus strand). Cytogenetic location: 3q26.1.
Variant type: single nucleotide variant.
Coding change: c.268+3A>G on transcript NM_007217.4 (MANE Select); 3 bases into the intron after coding-DNA position 268, A replaced by G.
Molecular consequence: intron variant.
Genome position (GRCh38, 1-based): chr3:167,697,006, T>C on the plus strand (A>G on the coding strand, the complement: PDCD10 is on the minus strand). VCF-style: chr3-167697006-T-C. GRCh37 (hg19) VCF-style: chr3-167414794-T-C.
Other names: c.268+3A>G (NM_145860.2, NM_145859.2).
Identifiers: ClinVar variation 2501949 (VCV002501949.1), dbSNP rs2475730421, ClinGen allele CA2580616006.